The following is an entry in ClinVar:

ClinVar aggregate classification (germline): Likely benign (0 of 4 stars; one submission).

Conditions:
OFD1-related disorder. Also called: OFD1-related condition.

Allele frequency attached by ClinVar (database versions not stated): gnomAD exomes 0.00001; TOPMed 0.00001.

Submission:

PreventionGenetics, part of Exact Sciences
Classification: Likely benign for OFD1-related condition. Last evaluated: 2023-08-12. Review status: no assertion criteria provided. Collection method: clinical testing. Allele origin: germline.
Comment: This variant is classified as likely benign based on ACMG/AMP sequence variant interpretation guidelines (Richards et al. 2015 PMID: 25741868, with internal and published modifications).

NM_003611.3(OFD1):c.934T>C (p.Leu312=)

Gene: OFD1 (OFD1 centriole and centriolar satellite protein; plus strand). Cytogenetic location: Xp22.2.
Variant type: single nucleotide variant.
Coding change: c.934T>C on transcript NM_003611.3 (MANE Select); coding-DNA position 934, T replaced by C.
Protein change: p.Leu312=; no amino-acid change (leucine 312 retained).
Molecular consequence: synonymous variant.
Genome position (GRCh38, 1-based): chrX:13,749,532, T>C. VCF-style: chrX-13749532-T-C. GRCh37 (hg19) VCF-style: chrX-13767651-T-C.
Other names: c.934T>C, p.Leu312= (NM_001330209.2); c.514T>C, p.Leu172= (NM_001330210.2).
Identifiers: ClinVar variation 3046869 (VCV003046869.2), dbSNP rs1457279926, ClinGen allele CA515463793.